The following is an entry in ClinVar:

NM_014140.4(SMARCAL1):c.1727del (p.Ile576fs)

Gene: SMARCAL1 (SNF2 related chromatin remodeling annealing helicase 1; plus strand). Cytogenetic location: 2q35.
Variant type: Deletion.
Coding change: c.1727del on transcript NM_014140.4 (MANE Select); coding-DNA position 1727, one base deleted (T; older notation c.1727delT).
Protein change: p.Ile576fs; shifts the reading frame from isoleucine 576.
Molecular consequence: frameshift variant.
Genome position (GRCh38, 1-based): chr2:216,447,034, T deleted. VCF-style (leftmost placement, unchanged base first): chr2-216447033-AT-A. GRCh37 (hg19) VCF-style: chr2-217311756-AT-A.
Other names: c.1727del, p.Ile576fs (NM_001127207.2); c.1727delT (NM_014140.3); short protein forms I576fs.
Identifiers: ClinVar variation 1418313 (VCV001418313.8), dbSNP rs1265248594, ClinGen allele CA764709300.
Genomic context (GRCh38, chr2:216,447,033, plus strand): 5'-TGCTCCTCCCTGTGTTCAGAGCACCTTTGGCTGTTTGTCTTTTAGGTTGCCAAGAGGGTG[AT>A]CCTGTTGTCGGGCACACCAGCCATGTCCCGGCCCGCAGAGCTCTACACGCAGATCATCGC-3'

ClinVar aggregate classification (germline): Pathogenic. Review status: criteria provided, single submitter (1 of 4 stars). 2 submissions from 2 submitters: Pathogenic (1). 1 of the submissions does not count toward it. Last evaluated 2021-10-25.

Conditions:
Schimke immuno-osseous dysplasia (SIOD). Also called: Schimke Immunoosseous Dysplasia. Identifiers: Orphanet 1830, MedGen C0877024, MONDO:0009458, OMIM 242900.
SMARCAL1-related disorder. Also called: SMARCAL1-related condition.

Allele frequency attached by ClinVar (database versions not stated): gnomAD 0.00001.

Submissions (2):

Labcorp Genetics (formerly Invitae), Labcorp
Classification: Pathogenic for Schimke immuno-osseous dysplasia. Last evaluated: 2021-10-25. Review status: criteria provided, single submitter. Criteria: Invitae Variant Classification Sherloc (09022015). Collection method: clinical testing. Allele origin: germline.
Comment: For these reasons, this variant has been classified as Pathogenic. This variant has not been reported in the literature in individuals affected with SMARCAL1-related conditions. This variant is not present in population databases (gnomAD no frequency). This sequence change creates a premature translational stop signal (p.Ile576Thrfs*58) in the SMARCAL1 gene. It is expected to result in an absent or disrupted protein product. Loss-of-function variants in SMARCAL1 are known to be pathogenic (PMID: 11799392, 20301550).

PreventionGenetics, part of Exact Sciences
Classification: Likely pathogenic for SMARCAL1-related condition. Last evaluated: 2023-11-30. Review status: no assertion criteria provided. Collection method: clinical testing. Allele origin: germline. Not counted in ClinVar's aggregate classification.
Comment: The SMARCAL1 c.1727delT variant is predicted to result in a frameshift and premature protein termination (p.Ile576Thrfs*58). To our knowledge, this variant has not been reported in the literature or a large population database, indicating this variant is rare. Frameshift variants in SMARCAL1 are expected to be pathogenic. This variant is interpreted as likely pathogenic.

Literature cited by the submitters: PubMed 11799392 (cited by Labcorp Genetics (formerly Invitae), Labcorp); PubMed 20301550 (cited by Labcorp Genetics (formerly Invitae), Labcorp).